The following is an entry in ClinVar:

NM_001370259.2(MEN1):c.1350+3_1350+22del

Gene: MEN1 (menin 1; minus strand). Cytogenetic location: 11q13.1.
Variant type: Deletion.
Coding change: c.1350+3_1350+22del on transcript NM_001370259.2 (MANE Select); bases 3 to 22 of the intron after coding-DNA position 1350, 20 bases deleted (GAGGGACAGCTGCACAGAGG).
Molecular consequence: intron variant.
Genome position (GRCh38, 1-based): chr11:64,805,012-64,805,031, CCTCTGTGCAGCTGTCCCTC deleted on the plus strand (GAGGGACAGCTGCACAGAGG on the coding strand, the reverse complement: MEN1 is on the minus strand). VCF-style (leftmost placement, unchanged base first): chr11-64805011-ACCTCTGTGCAGCTGTCCCTC-A. GRCh37 (hg19) VCF-style: chr11-64572483-ACCTCTGTGCAGCTGTCCCTC-A.
Other names: c.1365+3_1365+22del (NM_130804.3, NM_130803.3, NM_000244.4 and 4 more transcripts); c.1245+3_1245+22del (NM_001407148.1, NM_001407149.1, NM_001370263.2 and 1 more transcripts); c.1350+3_1350+22del (NM_130799.3, NM_001370260.2, NM_001407146.1 and 2 more transcripts); c.1476+3_1476+22del (NM_001407144.1, NM_001370251.2, NM_001407142.1 and 1 more transcripts); c.1371+3_1371+22del (NM_001407151.1); c.1186-215_1186-196del (NM_001407152.1); c.1491+3_1491+22del (NM_001407150.1).
Identifiers: ClinVar variation 2755062 (VCV002755062.3), dbSNP rs2497139686, ClinGen allele CA2697548654.

ClinVar aggregate classification (germline): Uncertain significance (1 of 4 stars; one submission).

Conditions:
Multiple endocrine neoplasia, type 1 (MEN1). Also called: MEA I; MEN I; WERMER SYNDROME; Endocrine adenomatosis multiple; MEN 1. Identifiers: Orphanet 652, MedGen C0025267, MeSH D018761, MONDO:0007540, OMIM 131100.

Submission:

Labcorp Genetics (formerly Invitae), Labcorp
Classification: Uncertain significance for Multiple endocrine neoplasia, type 1. Last evaluated: 2023-08-25. Review status: criteria provided, single submitter. Criteria: Invitae Variant Classification Sherloc (09022015). Collection method: clinical testing. Allele origin: germline.
Comment: This variant is not present in population databases (gnomAD no frequency). In summary, the available evidence is currently insufficient to determine the role of this variant in disease. Therefore, it has been classified as a Variant of Uncertain Significance. Variants that disrupt the consensus splice site are a relatively common cause of aberrant splicing (PMID: 17576681, 9536098). This variant has not been reported in the literature in individuals affected with MEN1-related conditions. This sequence change falls in intron 9 of the MEN1 gene. It does not directly change the encoded amino acid sequence of the MEN1 protein. It affects a nucleotide within the consensus splice site.

Literature cited by the submitters: PubMed 17576681; PubMed 9536098.